The following is an entry in ClinVar:

ClinVar aggregate classification (germline): Uncertain significance. Review status: criteria provided, multiple submitters, no conflicts (2 of 4 stars). 6 submissions from 2 submitters: Uncertain significance (6). Last evaluated 2024-12-01.

Conditions:
Tibial muscular dystrophy (TMD). Also called: Udd Distal Myopathy – Tibial Muscular Dystrophy; UDD MYOPATHY; Tibial muscular dystrophy, tardive. Identifiers: Orphanet 609, MedGen C1838244, MONDO:0010870, OMIM 600334.
Myopathy, myofibrillar, 9, with early respiratory failure (MFM9). Also called: Myopathy, distal, with early respiratory failure, autosomal dominant; EDSTROM MYOPATHY; Hereditary myopathy with early respiratory failure; MYOPATHY, PROXIMAL, WITH EARLY RESPIRATORY MUSCLE INVOLVEMENT. Identifiers: Orphanet 178464, Orphanet 34521, MedGen C1863599, MONDO:0011362, OMIM 603689.
Early-onset myopathy with fatal cardiomyopathy (CMYO5). Also called: CONGENITAL MYOPATHY 5 WITH CARDIOMYOPATHY; Salih Myopathy. Identifiers: Orphanet 289377, MedGen C2673677, MONDO:0012714, OMIM 611705. Disease mechanism: loss of function.
Autosomal recessive limb-girdle muscular dystrophy type 2J (LGMDR10). Also called: MUSCULAR DYSTROPHY, LIMB-GIRDLE, AUTOSOMAL RECESSIVE 10; Limb-girdle muscular dystrophy, type 2J. Identifiers: Orphanet 140922, MedGen C1837342, MONDO:0012127, OMIM 608807.
Dilated cardiomyopathy 1G (CMD1G). Identifiers: Orphanet 154, MedGen C1858763, MONDO:0011400, OMIM 604145.

Allele frequency attached by ClinVar (database versions not stated): TOPMed below 0.00001; gnomAD 0.00001.

Submissions (6):

CeGaT Center for Human Genetics Tuebingen
Classification: Uncertain significance. Last evaluated: 2024-12-01. Review status: criteria provided, single submitter. Criteria: CeGaT Center For Human Genetics Tuebingen Variant Classification Criteria Version 2. Collection method: clinical testing. Allele origin: germline. Affected: yes. Observed: 1 variant allele.
Comment: TTN: PM2

Illumina Laboratory Services, Illumina
Classification: Uncertain significance for Early-onset myopathy with fatal cardiomyopathy. Last evaluated: 2018-01-12. Review status: criteria provided, single submitter. Criteria: ICSL Variant Classification Criteria 13 December 2019. Collection method: clinical testing. Allele origin: germline.

Illumina Laboratory Services, Illumina
Classification: Uncertain significance for Myopathy, myofibrillar, 9, with early respiratory failure. Last evaluated: 2018-01-12. Review status: criteria provided, single submitter. Criteria: ICSL Variant Classification Criteria 13 December 2019. Collection method: clinical testing. Allele origin: germline.

Illumina Laboratory Services, Illumina
Classification: Uncertain significance for Dilated cardiomyopathy 1G. Last evaluated: 2018-01-12. Review status: criteria provided, single submitter. Criteria: ICSL Variant Classification Criteria 13 December 2019. Collection method: clinical testing. Allele origin: germline.

Illumina Laboratory Services, Illumina
Classification: Uncertain significance for Tibial muscular dystrophy. Last evaluated: 2018-01-12. Review status: criteria provided, single submitter. Criteria: ICSL Variant Classification Criteria 13 December 2019. Collection method: clinical testing. Allele origin: germline.

Illumina Laboratory Services, Illumina
Classification: Uncertain significance for Autosomal recessive limb-girdle muscular dystrophy type 2J. Last evaluated: 2018-01-12. Review status: criteria provided, single submitter. Criteria: ICSL Variant Classification Criteria 13 December 2019. Collection method: clinical testing. Allele origin: germline.

NM_001267550.2(TTN):c.83827G>A (p.Gly27943Arg)

Genes: TTN (titin; minus strand), TTN-AS1 (TTN antisense RNA 1; plus strand). Cytogenetic location: 2q31.2.
Variant type: single nucleotide variant.
Coding change: c.83827G>A on transcript NM_001267550.2 (MANE Select); coding-DNA position 83827, G replaced by A.
Protein change: p.Gly27943Arg; replaces glycine 27943 with arginine.
Molecular consequence: missense variant.
Genome position (GRCh38, 1-based): chr2:178,562,305, C>T on the plus strand (G>A on the coding strand, the complement: TTN is on the minus strand). VCF-style: chr2-178562305-C-T. GRCh37 (hg19) VCF-style: chr2-179427032-C-T.
Other names: c.78904G>A, p.Gly26302Arg (NM_001256850.1); c.56632G>A, p.Gly18878Arg (NM_003319.4); c.76123G>A, p.Gly25375Arg (NM_133378.4); c.57007G>A, p.Gly19003Arg (NM_133432.3); c.57208G>A, p.Gly19070Arg (NM_133437.4); short protein forms G25375R, G27943R, G19070R, G18878R, G19003R, G26302R.
Identifiers: ClinVar variation 332752 (VCV000332752.18), dbSNP rs886055236, ClinGen allele CA10611610.
Genomic context (GRCh38, chr2:178,562,305, plus strand): 5'-GCTTTATTTCAATATCCCTTGCAATTACTGGCACTCCAAGTTGTCTTGGATCACTTCTTC[C>T]CTTTTCGTTAACTGCAGCTACCCTGAAGACATACTCTTCTCCTGCAGTTAAGCCAGATAT-3'
Protein context (NP_001254479.2, residues 27933-27953): VFRVAAVNEK[Gly27943Arg]RSDPRQLGVP